The following is an entry in ClinVar:

ClinVar aggregate classification (germline): Uncertain significance. Review status: criteria provided, multiple submitters, no conflicts (2 of 4 stars). 3 submissions from 3 submitters: Uncertain significance (3). Last evaluated 2025-09-16.

Conditions:
Choanal atresia-athelia-hypothyroidism-delayed puberty-short stature syndrome (BCAHH). Also called: BRANCHIAL ARCH ABNORMALITIES, CHOANAL ATRESIA, ATHELIA, HEARING LOSS, AND HYPOTHYROIDISM SYNDROME. Identifiers: Orphanet 589856, MedGen C5680310, MONDO:0035651, OMIM 620186.
Kabuki syndrome 1 (KABUK1). Also called: KMT2D-Related Kabuki Syndrome. Identifiers: Orphanet 2322, MedGen CN030661, MONDO:0007843, OMIM 147920.
Kabuki syndrome. Also called: NIIKAWA-KUROKI SYNDROME; Kabuki make-up syndrome. Identifiers: Orphanet 2322, MedGen C0796004, MONDO:0016512.

Submissions (3):

Labcorp Genetics (formerly Invitae), Labcorp
Classification: Uncertain significance for Kabuki syndrome. Last evaluated: 2025-09-16. Review status: criteria provided, single submitter. Criteria: Invitae Variant Classification Sherloc (09022015). Collection method: clinical testing. Allele origin: germline.
Comment: This sequence change replaces serine, which is neutral and polar, with phenylalanine, which is neutral and non-polar, at codon 2311 of the KMT2D protein (p.Ser2311Phe). This variant is not present in population databases (gnomAD no frequency). This variant has not been reported in the literature in individuals affected with KMT2D-related conditions. ClinVar contains an entry for this variant (Variation ID: 3574779). Invitae Evidence Modeling of protein sequence and biophysical properties (such as structural, functional, and spatial information, amino acid conservation, physicochemical variation, residue mobility, and thermodynamic stability) indicates that this missense variant is not expected to disrupt KMT2D protein function with a negative predictive value of 95%. In summary, the available evidence is currently insufficient to determine the role of this variant in disease. Therefore, it has been classified as a Variant of Uncertain Significance.

GeneDx
Classification: Uncertain significance. Last evaluated: 2024-08-22. Review status: criteria provided, single submitter. Criteria: GeneDx Variant Classification Process June 2021. Collection method: clinical testing. Allele origin: germline. Affected: yes.
Comment: Not observed at significant frequency in large population cohorts (gnomAD); In silico analysis indicates that this missense variant does not alter protein structure/function; Has not been previously published as pathogenic or benign to our knowledge

Fulgent Genetics
Classification: Uncertain significance for Kabuki syndrome 1; Choanal atresia-athelia-hypothyroidism-delayed puberty-short stature syndrome. Last evaluated: 2024-03-20. Review status: criteria provided, single submitter. Criteria: ACMG Guidelines, 2015. Collection method: clinical testing. Allele origin: germline.

NM_003482.4(KMT2D):c.6932C>T (p.Ser2311Phe)

Gene: KMT2D (lysine methyltransferase 2D; minus strand). Cytogenetic location: 12q13.12.
Variant type: single nucleotide variant.
Coding change: c.6932C>T on transcript NM_003482.4 (MANE Select); coding-DNA position 6932, C replaced by T.
Protein change: p.Ser2311Phe; replaces serine 2311 with phenylalanine.
Molecular consequence: missense variant.
Genome position (GRCh38, 1-based): chr12:49,040,838, G>A on the plus strand (C>T on the coding strand, the complement: KMT2D is on the minus strand). VCF-style: chr12-49040838-G-A. GRCh37 (hg19) VCF-style: chr12-49434621-G-A.
Other names: short protein forms S2311F.
Identifiers: ClinVar variation 3574779 (VCV003574779.3).
Genomic context (GRCh38, chr12:49,040,838, plus strand): 5'-AGGGGGGCTTTGAAGACATCAGGTGTCTTTAACTCCAGGCCACCCAGGTGGGTGCCTGAG[G>A]AGGGTGAGTCAACAAAGCCCAGGTTTGGGGGCCCATAGCTAGGAGAGGATGCCCCAAGCT-3'
Protein context (NP_003473.3, residues 2301-2321): PPNLGFVDSP[Ser2311Phe]SGTHLGGLEL